The following is an entry in ClinVar:

NM_001194998.2(CEP152):c.3910C>T (p.Arg1304Cys)

Gene: CEP152 (centrosomal protein 152; minus strand). Cytogenetic location: 15q21.1.
Variant type: single nucleotide variant.
Coding change: c.3910C>T on transcript NM_001194998.2 (MANE Select); coding-DNA position 3910, C replaced by T.
Protein change: p.Arg1304Cys; replaces arginine 1304 with cysteine.
Molecular consequence: missense variant.
Genome position (GRCh38, 1-based): chr15:48,742,026, G>A on the plus strand (C>T on the coding strand, the complement: CEP152 is on the minus strand). VCF-style: chr15-48742026-G-A. GRCh37 (hg19) VCF-style: chr15-49034223-G-A.
Other names: c.3742C>T, p.Arg1248Cys (NM_014985.4); short protein forms R1248C, R1304C.
Identifiers: ClinVar variation 3057299 (VCV003057299.2), dbSNP rs376099036, ClinGen allele CA7548233.
Genomic context (GRCh38, chr15:48,742,026, plus strand): 5'-GCAAAATCTGTTGGAGGCAAATCAAATAATATTTGCGCATCTTTCGGGCGGTTTCTTGAC[G>A]TTCTCGCAGTACCTCTGCTTTTACCATTTCTGCAGCTCGTTCCTTACTCTCCTGAATATA-3'
Protein context (NP_001181927.1, residues 1294-1314): EMVKAEVLRE[Arg1304Cys]QETARKMRKY

ClinVar aggregate classification (germline): Uncertain significance (0 of 4 stars; one submission).

Conditions:
CEP152-related disorder. Also called: CEP152-related disorders; CEP152-related condition. Identifiers: MedGen CN239248.

Allele frequency attached by ClinVar (database versions not stated): ESP Exome Variant Server 0.00008.
gnomAD v4.1: 40 of 1,613,972 alleles (0.0025%); highest among the groups gnomAD compares: African/African-American, 0.016%; no homozygotes.

Submission:

PreventionGenetics, part of Exact Sciences
Classification: Uncertain significance for CEP152-related condition. Last evaluated: 2023-12-19. Review status: no assertion criteria provided. Collection method: clinical testing. Allele origin: germline.
Comment: The CEP152 c.3910C>T variant is predicted to result in the amino acid substitution p.Arg1304Cys. To our knowledge, this variant has not been reported in the literature. This variant is reported in 0.021% of alleles in individuals of African descent in gnomAD. At this time, the clinical significance of this variant is uncertain due to the absence of conclusive functional and genetic evidence.